The following is an entry in ClinVar:

ClinVar aggregate classification (germline): Pathogenic/Likely pathogenic. Review status: criteria provided, multiple submitters, no conflicts (2 of 4 stars). 2 submissions from 2 submitters: Pathogenic (1); Likely pathogenic (1). Last evaluated 2020-08-19.

Conditions:
Gorlin syndrome. Also called: Nevoid Basal Cell Carcinoma Syndrome; Basal cell nevus syndrome. Identifiers: Orphanet 377, MedGen C0004779, MONDO:0007187.
Hereditary cancer-predisposing syndrome. Also called: Hereditary neoplastic syndrome; Neoplastic Syndromes, Hereditary; Tumor predisposition; Hereditary Cancer Syndrome. Identifiers: Orphanet 140162, MedGen C0027672, MeSH D009386, MONDO:0015356.

Submissions (2):

Labcorp Genetics (formerly Invitae), Labcorp
Classification: Likely pathogenic for Gorlin syndrome. Last evaluated: 2020-08-19. Review status: criteria provided, single submitter. Criteria: Invitae Variant Classification Sherloc (09022015). Collection method: clinical testing. Allele origin: germline.
Comment: This sequence change affects codon 99 of the PTCH1 mRNA. It is a 'silent' change, meaning that it does not change the encoded amino acid sequence of the PTCH1 protein. This variant is not present in population databases (ExAC no frequency). This variant has been observed in individual(s) with clinical features of basal cell nevus syndrome (Invitae, external communication). In at least one individual the variant was observed to be de novo. ClinVar contains an entry for this variant (Variation ID: 409192). Algorithms developed to predict the effect of sequence changes on RNA splicing suggest that this variant may create or strengthen a splice site, but this prediction has not been confirmed by published transcriptional studies. In summary, the currently available evidence indicates that the variant is pathogenic, but additional data are needed to prove that conclusively. Therefore, this variant has been classified as Likely Pathogenic.

Ambry Genetics
Classification: Pathogenic for Hereditary cancer-predisposing syndrome. Last evaluated: 2020-08-13. Review status: criteria provided, single submitter. Criteria: Ambry Variant Classification Scheme 2023. Collection method: clinical testing. Allele origin: germline.
Comment: The c.297C>T pathogenic mutation (also known as p.G99G), located in coding exon 2 of the PTCH1 gene, results from a C to T substitution at nucleotide position 297. In silico splice site analysis predicts that this alteration will result in the creation or strengthening of a novel splice donor site. Internal RNA studies have demonstrated this alteration results in abnormal splicing (Ambry internal data). Based on the supporting evidence, this alteration is interpreted as a disease-causing mutation.

NM_000264.5(PTCH1):c.297C>T (p.Gly99=)

Gene: PTCH1 (patched 1; minus strand). Cytogenetic location: 9q22.32.
Variant type: single nucleotide variant.
Coding change: c.297C>T on transcript NM_000264.5 (MANE Select); coding-DNA position 297, C replaced by T.
Protein change: p.Gly99=; no amino-acid change (glycine 99 retained).
Molecular consequence: synonymous variant. On other transcripts: 5 prime UTR variant (4), non-coding transcript variant (1).
Genome position (GRCh38, 1-based): chr9:95,506,504, G>A on the plus strand (C>T on the coding strand, the complement: PTCH1 is on the minus strand). VCF-style: chr9-95506504-G-A. GRCh37 (hg19) VCF-style: chr9-98268786-G-A.
Other names: c.99C>T, p.Gly33= (NM_001083602.3, NM_001354919.2); c.294C>T, p.Gly98= (NM_001083603.3); c.-157C>T (NM_001083604.3, NM_001083605.3, NM_001083606.3 and 1 more transcripts); c.297C>T, p.Gly99= (NM_001354918.2).
Identifiers: ClinVar variation 409192 (VCV000409192.13), dbSNP rs772407797, ClinGen allele CA16612878.